The following is an entry in ClinVar:

NM_005120.3(MED12):c.3932T>A (p.Val1311Glu)

Gene: MED12 (mediator complex subunit 12; plus strand). Cytogenetic location: Xq13.1.
Variant type: single nucleotide variant.
Coding change: c.3932T>A on transcript NM_005120.3 (MANE Select); coding-DNA position 3932, T replaced by A.
Protein change: p.Val1311Glu; replaces valine 1311 with glutamic acid.
Molecular consequence: missense variant.
Genome position (GRCh38, 1-based): chrX:71,130,099, T>A. VCF-style: chrX-71130099-T-A. GRCh37 (hg19) VCF-style: chrX-70349949-T-A.
Other names: short protein forms V1311E.
Identifiers: ClinVar variation 1210244 (VCV001210244.2), dbSNP rs2147808490, ClinGen allele CA413523169.

ClinVar aggregate classification (germline): not provided (0 of 4 stars; one submission).

Conditions:
FG syndrome 1 (OKS). Also called: OPITZ-KAVEGGIA SYNDROME; KELLER SYNDROME; MENTAL RETARDATION, LARGE HEAD, IMPERFORATE ANUS, CONGENITAL HYPOTONIA, AND PARTIAL AGENESIS OF CORPUS CALLOSUM; FG Syndrome Type 1 (FGS1). Identifiers: Orphanet 93932, MedGen C5399762, MONDO:0010590, OMIM 305450.

Submission:

GeneReviews
No classification provided. Condition: FG syndrome. Review status: no classification provided. Collection method: literature only. Allele origin: germline.

Literature cited by the submitters: PubMed 33244165; PubMed 20301719.